The following is an entry in ClinVar:

ClinVar aggregate classification (germline): Likely benign (1 of 4 stars; one submission).

Conditions:
HCK-related condition.

Submission:

PreventionGenetics, part of Exact Sciences
Classification: Likely benign for HCK-related condition. Last evaluated: 2026-08-19. Review status: criteria provided, single submitter. Criteria: ACMG Guidelines, 2015. Collection method: clinical testing. Allele origin: germline.
Comment: This variant is classified as likely benign based on ACMG/AMP sequence variant interpretation guidelines (Richards et al. 2015 PMID: 25741868, with internal and published modifications).

NM_002110.5(HCK):c.1317C>T (p.Asp439=)

Gene: HCK (HCK proto-oncogene, Src family tyrosine kinase; plus strand). Cytogenetic location: 20q11.21.
Variant type: single nucleotide variant.
Coding change: c.1317C>T on transcript NM_002110.5 (MANE Select); coding-DNA position 1317, C replaced by T.
Protein change: p.Asp439=; no amino-acid change (aspartic acid 439 retained).
Molecular consequence: synonymous variant.
Genome position (GRCh38, 1-based): chr20:32,099,074, C>T. VCF-style: chr20-32099074-C-T. GRCh37 (hg19) VCF-style: chr20-30686877-C-T.
Other names: c.1254C>T, p.Asp418= (NM_001172129.3, NM_001172133.3); c.1314C>T, p.Asp438= (NM_001172130.3); c.1251C>T, p.Asp417= (NM_001172131.3); c.1257C>T, p.Asp419= (NM_001172132.3).
Identifiers: ClinVar variation 4984719 (VCV004984719.1).